The following is an entry in ClinVar:

NM_004722.4(AP4M1):c.55G>A (p.Asp19Asn)

Gene: AP4M1 (adaptor related protein complex 4 subunit mu 1; plus strand). Cytogenetic location: 7q22.1.
Variant type: single nucleotide variant.
Coding change: c.55G>A on transcript NM_004722.4 (MANE Select); coding-DNA position 55, G replaced by A.
Protein change: p.Asp19Asn; replaces aspartic acid 19 with asparagine.
Molecular consequence: missense variant.
Genome position (GRCh38, 1-based): chr7:100,101,769, G>A. VCF-style: chr7-100101769-G-A. GRCh37 (hg19) VCF-style: chr7-99699392-G-A.
Other names: c.55G>A, p.Asp19Asn (NM_001363671.2); short protein forms D19N.
Identifiers: ClinVar variation 1444925 (VCV001444925.9), dbSNP rs1219582721, ClinGen allele CA368462584.

ClinVar aggregate classification (germline): Uncertain significance (1 of 4 stars; one submission).

Conditions:
Hereditary spastic paraplegia 50 (SPG50). Also called: Spastic paraplegia 50, autosomal recessive. Identifiers: Orphanet 280763, MedGen C2752008, MONDO:0013048, OMIM 612936.

Allele frequency attached by ClinVar (database versions not stated): gnomAD exomes below 0.00001.

Submission:

Labcorp Genetics (formerly Invitae), Labcorp
Classification: Uncertain significance for Hereditary spastic paraplegia 50. Last evaluated: 2021-01-13. Review status: criteria provided, single submitter. Criteria: Invitae Variant Classification Sherloc (09022015). Collection method: clinical testing. Allele origin: germline.
Comment: This sequence change replaces aspartic acid with asparagine at codon 19 of the AP4M1 protein (p.Asp19Asn). The aspartic acid residue is highly conserved and there is a small physicochemical difference between aspartic acid and asparagine. In summary, the available evidence is currently insufficient to determine the role of this variant in disease. Therefore, it has been classified as a Variant of Uncertain Significance. Algorithms developed to predict the effect of missense changes on protein structure and function are either unavailable or do not agree on the potential impact of this missense change (SIFT: "Deleterious"; PolyPhen-2: "Benign"; Align-GVGD: "Class C0"). This variant has not been reported in the literature in individuals with AP4M1-related conditions. This variant is not present in population databases (ExAC no frequency).